The following is an entry in ClinVar:

ClinVar aggregate classification (germline): Likely pathogenic (1 of 4 stars; one submission).

Conditions:
Cystic fibrosis (CF). Also called: MUCOVISCIDOSIS. Identifiers: Orphanet 586, MedGen C0010674, MONDO:0009061, OMIM 219700. Disease mechanism: loss of function.

Submission:

Myriad Genetics, Inc.
Classification: Likely pathogenic for Cystic fibrosis. Last evaluated: 2022-02-12. Review status: criteria provided, single submitter. Criteria: Myriad Women's Health Autosomal Recessive and X-Linked Classification Criteria (2021). Collection method: clinical testing. Allele origin: unknown.
Comment: NM_000492.3(CFTR):c.915_916delCA(F305Lfs*2) is expected to be pathogenic in the context of cystic fibrosis. This variant is predicted to lead to an abnormal or absent protein product due to the creation of a premature termination codon in CFTR, a gene where loss-of-function variants are known to be pathogenic. Please note: this variant was assessed in the context of healthy population screening.

NM_000492.4(CFTR):c.915_916del (p.Phe305fs)

Gene: CFTR (CF transmembrane conductance regulator; plus strand). Cytogenetic location: 7q31.2.
Variant type: Deletion.
Coding change: c.915_916del on transcript NM_000492.4 (MANE Select); coding-DNA positions 915 to 916, 2 bases deleted (CA; older notation c.915_916delCA).
Protein change: p.Phe305fs; shifts the reading frame from phenylalanine 305.
Molecular consequence: frameshift variant.
Genome position (GRCh38, 1-based): chr7:117,540,145-117,540,146, CA deleted. VCF-style (leftmost placement, unchanged base first): chr7-117540144-TCA-T. GRCh37 (hg19) VCF-style: chr7-117180198-TCA-T.
Other names: short protein forms F305fs.
Identifiers: ClinVar variation 1724369 (VCV001724369.2), dbSNP rs2485026524, ClinGen allele CA2580076442.
Genomic context (GRCh38, chr7:117,540,144, plus strand): 5'-TTATTGTTTTTTATAGAACAGAACTGAAACTGACTCGGAAGGCAGCCTATGTGAGATACT[TCA>T]ATAGCTCAGCCTTCTTCTTCTCAGGGTTCTTTGTGGTGTTTTTATCTGTGCTTCCCTATG-3'